The following is an entry in ClinVar:

ClinVar aggregate classification (germline): Pathogenic. Review status: criteria provided, multiple submitters, no conflicts (2 of 4 stars). 4 submissions from 4 submitters: Pathogenic (3). 1 of the submissions does not count toward it. Last evaluated 2024-05-10.

Conditions:
Niemann-Pick disease, type A. Also called: SPHINGOMYELIN LIPIDOSIS; SPHINGOMYELINASE DEFICIENCY; Infantile Neurovisceral ASMD (Niemann-Pick Disease Type A; NPD-A). Identifiers: Orphanet 77292, MedGen C0268242, MONDO:0009756, OMIM 257200. Disease mechanism: loss of function.
Niemann-Pick disease, type B. Also called: Chronic Visceral ASMD (Niemann-Pick Disease Type B; NPD-B). Identifiers: Orphanet 77293, MedGen C0268243, MONDO:0011871, OMIM 607616. Disease mechanism: loss of function.

Allele frequency attached by ClinVar (database versions not stated): gnomAD exomes below 0.00001.
gnomAD v4.1: 1 of 1,594,772 alleles (0.000063%); highest among the groups gnomAD compares: South Asian, 0.0011%; no homozygotes.

Submissions (4):

Natera, Inc.
Classification: Pathogenic for Niemann-Pick Disease, Types A/B. Last evaluated: 2024-05-10. Review status: criteria provided, single submitter. Criteria: Natera Variant Classification Schema (03/2026). Collection method: clinical testing. Allele origin: germline.
Comment: The c.95G>A variant in SMPD1 is a nonsense variant predicted to introduce a stop codon at amino acid 32. This variant is expected to result in nonsense mediated decay, truncation, or a dysfunctional protein product. This variant is rare in the general population with a frequency below the threshold expected for the associated phenotype(s). This variant has been observed in one or more individuals affected with the associated recessive disease, as either homozygous or compound heterozygous with a second variant (PMID: 18625664, 23252888, 26499107). Functional studies show that this variant may disrupt protein function (PMID: 26499107). Given the available evidence, this variant is classified as Pathogenic.

Baylor Genetics
Classification: Pathogenic for Niemann-Pick disease, type A. Last evaluated: 2024-02-25. Review status: criteria provided, single submitter. Criteria: ACMG Guidelines, 2015. Collection method: clinical testing. Allele origin: unknown.

Labcorp Genetics (formerly Invitae), Labcorp
Classification: Pathogenic for Niemann-Pick disease, type B; Niemann-Pick disease, type A. Last evaluated: 2023-09-04. Review status: criteria provided, single submitter. Criteria: Invitae Variant Classification Sherloc (09022015). Collection method: clinical testing. Allele origin: germline.
Comment: This sequence change creates a premature translational stop signal (p.Trp32*) in the SMPD1 gene. It is expected to result in an absent or disrupted protein product. Loss-of-function variants in SMPD1 are known to be pathogenic (PMID: 12369017, 15221801). This variant is not present in population databases (gnomAD no frequency). This premature translational stop signal has been observed in individual(s) with Niemann-Pick disease (PMID: 32778503). In at least one individual the data is consistent with being in trans (on the opposite chromosome) from a pathogenic variant. ClinVar contains an entry for this variant (Variation ID: 553755). For these reasons, this variant has been classified as Pathogenic.

Counsyl
Classification: Likely pathogenic for Niemann-Pick disease, type A. Last evaluated: 2017-09-06. Review status: no assertion criteria provided. Collection method: clinical testing. Allele origin: unknown. Not counted in ClinVar's aggregate classification.

Literature cited by the submitters: PubMed 18625664 (cited by Natera, Inc. and Counsyl); PubMed 23252888 (cited by Natera, Inc.); PubMed 26499107 (cited by Natera, Inc.); PubMed 12369017 (cited by Labcorp Genetics (formerly Invitae), Labcorp); PubMed 15221801 (cited by Labcorp Genetics (formerly Invitae), Labcorp); PubMed 32778503 (cited by Labcorp Genetics (formerly Invitae), Labcorp); PubMed 16010684 (cited by Counsyl); PubMed 17876723 (cited by Counsyl).

NM_000543.5(SMPD1):c.95G>A (p.Trp32Ter)

Gene: SMPD1 (sphingomyelin phosphodiesterase 1; plus strand). Cytogenetic location: 11p15.4.
Variant type: single nucleotide variant.
Coding change: c.95G>A on transcript NM_000543.5 (MANE Select); coding-DNA position 95, G replaced by A.
Protein change: p.Trp32Ter; replaces tryptophan 32 with a stop codon.
Molecular consequence: nonsense. On other transcripts: 5 prime UTR variant (1), non-coding transcript variant (2).
Genome position (GRCh38, 1-based): chr11:6,390,693, G>A. VCF-style: chr11-6390693-G-A. GRCh37 (hg19) VCF-style: chr11-6411923-G-A.
Other names: c.95G>A, p.Trp32Ter (NM_001007593.3, NM_001318087.2, NM_001365135.2); c.-867G>A (NM_001318088.2); short protein forms W32*.
Identifiers: ClinVar variation 553755 (VCV000553755.7), dbSNP rs1554933780, ClinGen allele CA379367001.